The following is an entry in ClinVar:

ClinVar aggregate classification (germline): Uncertain significance (1 of 4 stars; one submission).

Submission:

Labcorp Genetics (formerly Invitae), Labcorp
Classification: Uncertain significance. Last evaluated: 2022-05-13. Review status: criteria provided, single submitter. Criteria: Invitae Variant Classification Sherloc (09022015). Collection method: clinical testing. Allele origin: germline.
Comment: This sequence change replaces proline, which is neutral and non-polar, with leucine, which is neutral and non-polar, at codon 8 of the TTPA protein (p.Pro8Leu). This variant is not present in population databases (gnomAD no frequency). This variant has not been reported in the literature in individuals affected with TTPA-related conditions. Algorithms developed to predict the effect of missense changes on protein structure and function output the following: SIFT: "Deleterious"; PolyPhen-2: "Benign"; Align-GVGD: "Class C0". The leucine amino acid residue is found in multiple mammalian species, which suggests that this missense change does not adversely affect protein function. In summary, the available evidence is currently insufficient to determine the role of this variant in disease. Therefore, it has been classified as a Variant of Uncertain Significance.

NM_000370.3(TTPA):c.23C>T (p.Pro8Leu)

Gene: TTPA (alpha tocopherol transfer protein; minus strand). Cytogenetic location: 8q12.3.
Variant type: single nucleotide variant.
Coding change: c.23C>T on transcript NM_000370.3 (MANE Select); coding-DNA position 23, C replaced by T.
Protein change: p.Pro8Leu; replaces proline 8 with leucine.
Molecular consequence: missense variant.
Genome position (GRCh38, 1-based): chr8:63,085,999, G>A on the plus strand (C>T on the coding strand, the complement: TTPA is on the minus strand). VCF-style: chr8-63085999-G-A. GRCh37 (hg19) VCF-style: chr8-63998558-G-A.
Other names: c.23C>T, p.Pro8Leu (NM_001413414.1, NM_001413415.1, NM_001413416.1 and 2 more transcripts); short protein forms P8L.
Identifiers: ClinVar variation 1913732 (VCV001913732.2), dbSNP rs2487201649, ClinGen allele CA371403699.